The following is an entry in ClinVar:

NM_024642.5(GALNT12):c.425T>C (p.Ile142Thr)

Gene: GALNT12 (polypeptide N-acetylgalactosaminyltransferase 12; plus strand). Cytogenetic location: 9q22.33.
Variant type: single nucleotide variant.
Coding change: c.425T>C on transcript NM_024642.5 (MANE Select); coding-DNA position 425, T replaced by C.
Protein change: p.Ile142Thr; replaces isoleucine 142 with threonine.
Molecular consequence: missense variant.
Genome position (GRCh38, 1-based): chr9:98,823,309, T>C. VCF-style: chr9-98823309-T-C. GRCh37 (hg19) VCF-style: chr9-101585591-T-C.
Other names: short protein forms I142T.
Identifiers: ClinVar variation 824733 (VCV000824733.15), dbSNP rs757214097, ClinGen allele CA5153939.

ClinVar aggregate classification (germline): Uncertain significance. Review status: criteria provided, multiple submitters, no conflicts (2 of 4 stars). 2 submissions from 2 submitters: Uncertain significance (2). Last evaluated 2024-05-31.

Allele frequency attached by ClinVar (database versions not stated): gnomAD exomes below 0.00001; ExAC 0.00001.
gnomAD v4.1: 5 of 1,614,106 alleles (0.00031%); highest among the groups gnomAD compares: East Asian, 0.0022%; no homozygotes.

Submissions (2):

Ambry Genetics
Classification: Uncertain significance. Last evaluated: 2024-05-31. Review status: criteria provided, single submitter. Criteria: Ambry Variant Classification Scheme 2023. Collection method: clinical testing. Allele origin: germline.
Comment: The p.I142T variant (also known as c.425T>C), located in coding exon 2 of the GALNT12 gene, results from a T to C substitution at nucleotide position 425. The isoleucine at codon 142 is replaced by threonine, an amino acid with similar properties. In one study, this variant (designated as p.Ile142Thr) was identified in 1/479 individuals affected with colorectal cancer. This alteration demonstrated a significant reduction (>2-fold) in GALNT12 enzyme activity in vitro when compared to wild type (Evans DR et al. Hum. Mutat. 2018 08;39(8):1092-1101). This amino acid position is highly conserved in available vertebrate species. In addition, this alteration is predicted to be deleterious by in silico analysis. Since supporting evidence is limited at this time, the clinical significance of this alteration remains unclear.

Labcorp Genetics (formerly Invitae), Labcorp
Classification: Uncertain significance. Last evaluated: 2019-08-30. Review status: criteria provided, single submitter. Criteria: Invitae Variant Classification Sherloc (09022015). Collection method: clinical testing. Allele origin: germline.
Comment: In summary, the available evidence is currently insufficient to determine the role of this variant in disease. Therefore, it has been classified as a Variant of Uncertain Significance. This variant has been reported to affect GALNT12 protein function (PMID: 29749045). This variant has been observed in an individual with colorectal cancer (PMID: 29749045). This variant is present in population databases (rs757214097, ExAC 0.01%). This sequence change replaces isoleucine with threonine at codon 142 of the GALNT12 protein (p.Ile142Thr). The isoleucine residue is highly conserved and there is a moderate physicochemical difference between isoleucine and threonine.

Literature cited by the submitters: PubMed 29749045 (cited by Ambry Genetics and Labcorp Genetics (formerly Invitae), Labcorp).